The following is an entry in ClinVar:

ClinVar aggregate classification (germline): Conflicting classifications of pathogenicity. Review status: criteria provided, conflicting classifications (1 of 4 stars). 2 submissions from 2 submitters: Uncertain significance (1); Likely benign (1). Last evaluated 2023-03-23.

Conditions:
Hereditary cancer-predisposing syndrome. Also called: Hereditary Cancer Syndrome; Hereditary neoplastic syndrome; Neoplastic Syndromes, Hereditary; Tumor predisposition. Identifiers: Orphanet 140162, MedGen C0027672, MeSH D009386, MONDO:0015356.

Submissions (2):

University of Washington Department of Laboratory Medicine, University of Washington
Classification: Likely benign for Hereditary cancer-predisposing syndrome. Last evaluated: 2023-03-23. Review status: criteria provided, single submitter. Criteria: Dines et al. (Genet Med. 2020). Collection method: curation. Allele origin: germline.
Comment: Missense variant in a coldspot region where missense variants are very unlikely to be pathogenic (PMID:31911673).

BRCA2 exon 11 coldspot. Reclassification based on statistical prior probability.

Ambry Genetics
Classification: Uncertain significance for Hereditary cancer-predisposing syndrome. Last evaluated: 2016-06-21. Review status: criteria provided, single submitter. Criteria: Ambry Variant Classification Scheme 2023. Collection method: clinical testing. Allele origin: germline.
Comment: The p.S1121P variant (also known as c.3361T>C), located in coding exon 10 of the BRCA2 gene, results from a T to C substitution at nucleotide position 3361. The serine at codon 1121 is replaced by proline, an amino acid with similar properties. This amino acid position is highly conserved through mammals but not in all available vertebrate species. In addition, the in silico prediction for this alteration is inconclusive. Since supporting evidence is limited at this time, the clinical significance of this alteration remains unclear.

NM_000059.4(BRCA2):c.3361T>C (p.Ser1121Pro)

Gene: BRCA2 (BRCA2 DNA repair associated; plus strand). Cytogenetic location: 13q13.1.
Variant type: single nucleotide variant.
Coding change: c.3361T>C on transcript NM_000059.4 (MANE Select); coding-DNA position 3361, T replaced by C.
Protein change: p.Ser1121Pro; replaces serine 1121 with proline.
Molecular consequence: missense variant.
Genome position (GRCh38, 1-based): chr13:32,337,716, T>C. VCF-style: chr13-32337716-T-C. GRCh37 (hg19) VCF-style: chr13-32911853-T-C.
Other names: short protein forms S1121P.
Identifiers: ClinVar variation 441342 (VCV000441342.7), dbSNP rs1555283195, ClinGen allele CA387776383.